The following is an entry in ClinVar:

ClinVar aggregate classification (germline): Likely benign (1 of 4 stars; one submission).

Submission:

CeGaT Center for Human Genetics Tuebingen
Classification: Likely benign. Last evaluated: 2023-04-01. Review status: criteria provided, single submitter. Criteria: CeGaT Center For Human Genetics Tuebingen Variant Classification Criteria Version 2. Collection method: clinical testing. Allele origin: germline. Affected: yes. Observed: 1 variant allele.
Comment: NOC2L: PM2:Supporting, BP4, BP7

NM_015658.4(NOC2L):c.1938T>G (p.Pro646=)

Gene: NOC2L (NOC2 like nucleolar associated transcriptional repressor; minus strand). Cytogenetic location: 1p36.33.
Variant type: single nucleotide variant.
Coding change: c.1938T>G on transcript NM_015658.4 (MANE Select); coding-DNA position 1938, T replaced by G.
Protein change: p.Pro646=; no amino-acid change (proline 646 retained).
Molecular consequence: synonymous variant.
Genome position (GRCh38, 1-based): chr1:945,633, A>C on the plus strand (T>G on the coding strand, the complement: NOC2L is on the minus strand). VCF-style: chr1-945633-A-C. GRCh37 (hg19) VCF-style: chr1-881013-A-C.
Identifiers: ClinVar variation 2637978 (VCV002637978.24), dbSNP rs1385565101, ClinGen allele CA415382067.